The following is an entry in ClinVar:

ClinVar aggregate classification (germline): Pathogenic (1 of 4 stars; one submission).

Conditions:
Hereditary diffuse gastric adenocarcinoma (HDGC). Also called: DIFFUSE GASTRIC AND LOBULAR BREAST CANCER SYNDROME. Identifiers: Orphanet 26106, MedGen C1708349, MONDO:0007648, OMIM 137215.

Submission:

Myriad Genetics, Inc.
Classification: Pathogenic for Hereditary diffuse gastric adenocarcinoma. Last evaluated: 2023-06-15. Review status: criteria provided, single submitter. Criteria: Myriad Autosomal Dominant, Autosomal Recessive and X-Linked Classification Criteria (2023). Collection method: clinical testing. Allele origin: unknown.
Comment: This variant is considered pathogenic. This variant creates a frameshift predicted to result in premature protein truncation.

NM_004360.5(CDH1):c.414_415dup (p.Leu139fs)

Gene: CDH1 (cadherin 1; plus strand). Cytogenetic location: 16q22.1.
Variant type: Duplication.
Coding change: c.414_415dup on transcript NM_004360.5 (MANE Select); coding-DNA positions 414 to 415, 2 bases duplicated (AT; older notation c.414_415dupAT).
Protein change: p.Leu139fs; shifts the reading frame from leucine 139.
Molecular consequence: frameshift variant. On other transcripts: 5 prime UTR variant (2).
Genome position (GRCh38, 1-based): chr16:68,808,450-68,808,451, AT duplicated. VCF-style (leftmost placement, unchanged base first): chr16-68808449-A-AAT. GRCh37 (hg19) VCF-style: chr16-68842352-A-AAT.
Other names: c.414_415dup, p.Leu139fs (NM_001317184.2); c.-1202_-1201dup (NM_001317185.2); c.-1406_-1405dup (NM_001317186.2); short protein forms L139fs.
Identifiers: ClinVar variation 2583847 (VCV002583847.2), dbSNP rs2543914429, ClinGen allele CA2582342562.